The following is an entry in ClinVar:

NM_000124.4(ERCC6):c.150G>A (p.Val50=)

Gene: ERCC6 (ERCC excision repair 6, chromatin remodeling factor; minus strand). Cytogenetic location: 10q11.23.
Variant type: single nucleotide variant.
Coding change: c.150G>A on transcript NM_000124.4 (MANE Select); coding-DNA position 150, G replaced by A.
Protein change: p.Val50=; no amino-acid change (valine 50 retained).
Molecular consequence: synonymous variant.
Genome position (GRCh38, 1-based): chr10:49,532,815, C>T on the plus strand (G>A on the coding strand, the complement: ERCC6 is on the minus strand). VCF-style: chr10-49532815-C-T. GRCh37 (hg19) VCF-style: chr10-50740861-C-T.
Other names: c.150G>A, p.Val50= (NM_001277058.2, NM_001277059.2, NM_001346440.2).
Identifiers: ClinVar variation 190149 (VCV000190149.59), dbSNP rs80133923, ClinGen allele CA199575.

ClinVar aggregate classification (germline): Conflicting classifications of pathogenicity. Review status: criteria provided, conflicting classifications (1 of 4 stars). 8 submissions from 6 submitters: Uncertain significance (2); Likely benign (6). Last evaluated 2026-01-27.

Conditions:
Cerebrooculofacioskeletal syndrome 1 (COFS1). Also called: Cerebro-oculo-facio-skeletal syndrome 1. Identifiers: MedGen C0220722, MONDO:0008955, OMIM 214150.
Age related macular degeneration 5. Identifiers: MedGen C3151063, MONDO:0013409, OMIM 613761.
Cockayne syndrome type 2 (CSB). Also called: COCKAYNE SYNDROME B; Cockayne Syndrome, Type II. Identifiers: Orphanet 191, Orphanet 90322, MedGen C0751038, MONDO:0019570, OMIM 133540.

Allele frequency attached by ClinVar (database versions not stated): 1000 Genomes Project 0.00060; 1000 Genomes Project 30x 0.00062; gnomAD 0.00070 and 0.00073; TOPMed 0.00072; gnomAD exomes 0.00082 and 0.00124; ExAC 0.00100; ESP Exome Variant Server 0.00108.
gnomAD v4.1: 1,916 of 1,614,222 alleles (0.12%); highest among the groups gnomAD compares: Non-Finnish European, 0.15%; 3 homozygotes.

Submissions (8):

Labcorp Genetics (formerly Invitae), Labcorp
Classification: Likely benign. Last evaluated: 2026-01-27. Review status: criteria provided, single submitter. Criteria: Invitae Variant Classification Sherloc (09022015). Collection method: clinical testing. Allele origin: germline.

Blueprint Genetics
Classification: Likely benign. Last evaluated: 2024-11-12. Review status: criteria provided, single submitter. Criteria: ACMG Guidelines, 2015. Collection method: clinical testing. Allele origin: germline.

CeGaT Center for Human Genetics Tuebingen
Classification: Uncertain significance. Last evaluated: 2023-02-01. Review status: criteria provided, single submitter. Criteria: CeGaT Center For Human Genetics Tuebingen Variant Classification Criteria Version 2. Collection method: clinical testing. Allele origin: germline. Affected: yes. Observed: 2 variant alleles.
Comment: ERCC6: PP3

GeneDx
Classification: Uncertain significance. Last evaluated: 2021-08-31. Review status: criteria provided, single submitter. Criteria: GeneDx Variant Classification Process June 2021. Collection method: clinical testing. Allele origin: germline. Affected: yes.
Comment: Has not been previously published as pathogenic or benign to our knowledge; In silico analysis, which includes splice predictors and evolutionary conservation, suggests this variant may impact gene splicing. In the absence of RNA/functional studies, the actual effect of this sequence change is unknown.; This variant is associated with the following publications: (PMID: 19894250)

Illumina Laboratory Services, Illumina
Classification: Likely benign for Cockayne syndrome type 2. Last evaluated: 2017-04-27. Review status: criteria provided, single submitter. Criteria: ICSL Variant Classification Criteria 13 December 2019. Collection method: clinical testing. Allele origin: germline.
Comment: This variant was observed as part of a predisposition screen in an ostensibly healthy population. A literature search was performed for the gene, cDNA change, and amino acid change (where applicable). Publications were found based on this search. The evidence from the literature, in combination with allele frequency data from public databases where available, was sufficient to determine this variant is unlikely to cause disease. Therefore, this variant is classified as likely benign.

Illumina Laboratory Services, Illumina
Classification: Likely benign for Age related macular degeneration 5. Last evaluated: 2017-04-27. Review status: criteria provided, single submitter. Criteria: ICSL Variant Classification Criteria 13 December 2019. Collection method: clinical testing. Allele origin: germline.
Comment: This variant was observed as part of a predisposition screen in an ostensibly healthy population. A literature search was performed for the gene, cDNA change, and amino acid change (where applicable). No publications were found based on this search. Allele frequency data from public databases allowed determination this variant is unlikely to cause disease. Therefore, this variant is classified as likely benign.

Illumina Laboratory Services, Illumina
Classification: Likely benign for Cerebrooculofacioskeletal syndrome 1. Last evaluated: 2017-04-27. Review status: criteria provided, single submitter. Criteria: ICSL Variant Classification Criteria 13 December 2019. Collection method: clinical testing. Allele origin: germline.
Comment: the same text as in the submission from Illumina Laboratory Services, Illumina above.

Claritas Genomics
Classification: Likely benign. Last evaluated: 2012-09-21. Review status: criteria provided, single submitter. Criteria: ACMG Guidelines, 2007. Collection method: clinical testing. Allele origin: germline. Inheritance: Autosomal recessive inheritance.

Literature cited by the submitters: PubMed 19894250 (cited by Illumina Laboratory Services, Illumina).